The following is an entry in ClinVar:

NM_000238.4(KCNH2):c.1528C>T (p.Leu510=)

Gene: KCNH2 (potassium voltage-gated channel subfamily H member 2; minus strand). Cytogenetic location: 7q36.1.
Variant type: single nucleotide variant.
Coding change: c.1528C>T on transcript NM_000238.4 (MANE Select); coding-DNA position 1528, C replaced by T.
Protein change: p.Leu510=; no amino-acid change (leucine 510 retained).
Molecular consequence: synonymous variant. On other transcripts: non-coding transcript variant (2).
Genome position (GRCh38, 1-based): chr7:150,952,454, G>A on the plus strand (C>T on the coding strand, the complement: KCNH2 is on the minus strand). VCF-style: chr7-150952454-G-A. GRCh37 (hg19) VCF-style: chr7-150649542-G-A.
Other names: p.Leu510=; c.1528C>T (NM_000238.2); c.508C>T, p.Leu170= (NM_001204798.2, NM_172057.3); c.1240C>T, p.Leu414= (NM_001406753.1, NM_001406756.1); c.1351C>T, p.Leu451= (NM_001406755.1); c.1228C>T, p.Leu410= (NM_001406757.1); c.1528C>T, p.Leu510= (NM_172056.3).
Identifiers: ClinVar variation 237292 (VCV000237292.64), dbSNP rs75648145, ClinGen allele CA028328.

ClinVar aggregate classification (germline): Conflicting classifications of pathogenicity. Review status: criteria provided, conflicting classifications (1 of 4 stars). 12 submissions from 12 submitters: Uncertain significance (1); Benign (8); Likely benign (3). Last evaluated 2026-08-01.

Conditions:
Cardiovascular phenotype. Identifiers: MedGen CN230736.
Cardiac arrhythmia. Also called: Cardiac rhythm disease; Arrhythmia. Identifiers: MedGen C0003811, MONDO:0007263, HP:0011675.
Long QT syndrome (LQTS). Identifiers: MedGen C0023976, MeSH D008133, MONDO:0002442. Disease mechanism: loss of function. Inheritance: Various modes of inheritance.
Long QT syndrome 2 (LQT2). Identifiers: Orphanet 101016, Orphanet 768, MedGen C3150943, MONDO:0013367, OMIM 613688.

Allele frequency attached by ClinVar (database versions not stated): 1000 Genomes Project 0.00060; TOPMed 0.00065; 1000 Genomes Project 30x 0.00078; gnomAD 0.00085 and 0.00094; gnomAD exomes 0.00093 and 0.00147; ESP Exome Variant Server 0.00115; ExAC 0.00159.

Submissions (12):

CeGaT Center for Human Genetics Tuebingen
Classification: Benign. Last evaluated: 2026-08-01. Review status: criteria provided, single submitter. Criteria: CeGaT Center For Human Genetics Tuebingen Variant Classification Criteria Version 2. Collection method: clinical testing. Allele origin: germline. Affected: yes. Observed: 17 variant alleles.
Comment: KCNH2: BP4, BP7, BS1, BS2

Labcorp Genetics (formerly Invitae), Labcorp
Classification: Benign for Long QT syndrome. Last evaluated: 2026-02-04. Review status: criteria provided, single submitter. Criteria: Invitae Variant Classification Sherloc (09022015). Collection method: clinical testing. Allele origin: germline.

Mayo Clinic Laboratories, Mayo Clinic
Classification: Likely benign. Last evaluated: 2025-09-16. Review status: criteria provided, single submitter. Criteria: ACMG Guidelines, 2015. Collection method: clinical testing. Allele origin: germline. Observed: 3 variant alleles.
Comment: BS1, BP4, BP7

Molecular Diagnostic Laboratory for Inherited Cardiovascular Disease, Montreal Heart Institute
Classification: Benign. Last evaluated: 2025-04-09. Review status: criteria provided, single submitter. Criteria: ACMG Guidelines, 2015. Collection method: clinical testing. Allele origin: germline. Affected: no.

Blueprint Genetics
Classification: Likely benign. Last evaluated: 2024-11-27. Review status: criteria provided, single submitter. Criteria: ACMG Guidelines, 2015. Collection method: clinical testing. Allele origin: germline.

All of Us Research Program, National Institutes of Health
Classification: Benign for Long QT syndrome. Last evaluated: 2024-02-05. Review status: criteria provided, single submitter. Criteria: ACMG Guidelines, 2015. Collection method: clinical testing. Allele origin: germline. Inheritance: Autosomal dominant inheritance. Observed: 217 variant alleles, 217 heterozygotes.
Comment: This study involves interpretation of variants in research participants for the purpose of population health screening. Participant phenotype was not available at the time of variant classification. Additional details can be found in publication PMID: 35346344, PMCID: PMC8962531

Women's Health and Genetics/Laboratory Corporation of America, LabCorp
Classification: Benign. Last evaluated: 2021-04-08. Review status: criteria provided, single submitter. Criteria: LabCorp Variant Classification Summary - May 2015. Collection method: clinical testing. Allele origin: germline.

Color Diagnostics, LLC DBA Color Health
Classification: Benign for Arrhythmia. Last evaluated: 2018-03-08. Review status: criteria provided, single submitter. Criteria: ACMG Guidelines, 2015. Collection method: clinical testing. Allele origin: germline.

Illumina Laboratory Services, Illumina
Classification: Uncertain significance for Long QT syndrome 2. Last evaluated: 2017-04-27. Review status: criteria provided, single submitter. Criteria: ICSL Variant Classification Criteria 13 December 2019. Collection method: clinical testing. Allele origin: germline.

Eurofins Ntd Llc (ga)
Classification: Benign. Last evaluated: 2016-10-25. Review status: criteria provided, single submitter. Criteria: EGL Classification Definitions 2015. Collection method: clinical testing. Allele origin: germline. Observed: 1 variant allele, 1 heterozygote.

Ambry Genetics
Classification: Likely benign for Cardiovascular phenotype. Last evaluated: 2015-07-21. Review status: criteria provided, single submitter. Criteria: Ambry Variant Classification Scheme 2023. Collection method: clinical testing. Allele origin: germline.

GeneDx
Classification: Benign. Last evaluated: 2015-03-03. Review status: criteria provided, single submitter. Criteria: GeneDx Variant Classification Process June 2021. Collection method: clinical testing. Allele origin: germline. Affected: yes.

Literature cited by the submitters: PubMed 15023549 (cited by Mayo Clinic Laboratories, Mayo Clinic); PubMed 30816676 (cited by Mayo Clinic Laboratories, Mayo Clinic).